The following is an entry in ClinVar:

ClinVar aggregate classification (germline): Benign (1 of 4 stars; one submission).

Submission:

ISCA site 4
Classification: Benign. Last evaluated: 2011-08-12. Review status: criteria provided, single submitter. Criteria: Kaminsky et al. (Genet Med. 2011). Collection method: clinical testing. Allele origin: unknown. Affected: yes. Observed: 1 variant allele.
Comment: Copy number variation identified through the course of routine clinical cytogenomic testing in postnatal populations. Clinical assertions have been curated as described in Kaminsky et al. 2011.

GRCh38/hg38 8p23.1(chr8:7022782-8273167)x1

Genes: DEFA5 (defensin alpha 5; minus strand), DEFB103A (defensin beta 103A; plus strand), DEFB103B (defensin beta 103B), DEFB104A (defensin beta 104A; plus strand), DEFB104B (defensin beta 104B) and 53 more. Cytogenetic location: 8p23.1.
Variant type: copy number loss.
Change: copy number 1 (one copy instead of two) of chr8:7,022,782-8,273,167 (1.25 Mb, GRCh38 coordinates, 1-based), cytogenetic band 8p23.1.
Identifiers: ClinVar variation 57054 (VCV000057054.1).